The following is an entry in ClinVar:

NM_020911.2(PLXNA4):c.4240G>A (p.Asp1414Asn)

Gene: PLXNA4 (plexin A4; minus strand). Cytogenetic location: 7q32.3.
Variant type: single nucleotide variant.
Coding change: c.4240G>A on transcript NM_020911.2 (MANE Select); coding-DNA position 4240, G replaced by A.
Protein change: p.Asp1414Asn; replaces aspartic acid 1414 with asparagine.
Molecular consequence: missense variant.
Genome position (GRCh38, 1-based): chr7:132,168,350, C>T on the plus strand (G>A on the coding strand, the complement: PLXNA4 is on the minus strand). VCF-style: chr7-132168350-C-T. GRCh37 (hg19) VCF-style: chr7-131853109-C-T.
Other names: c.4240G>A, p.Asp1414Asn (NM_001393897.1); short protein forms D1414N.
Identifiers: ClinVar variation 4994937 (VCV004994937.1).

ClinVar aggregate classification (germline): Uncertain significance (1 of 4 stars; one submission).

Conditions:
PLXNA4-related disorder. Also called: PLXNA4-related condition.

Submission:

PreventionGenetics, part of Exact Sciences
Classification: Uncertain significance for PLXNA4-related condition. Last evaluated: 2026-06-03. Review status: criteria provided, single submitter. Criteria: ACMG Guidelines, 2015. Collection method: clinical testing. Allele origin: germline.
Comment: The PLXNA4 c.4240G>A variant is predicted to result in the amino acid substitution p.Asp1414Asn. To our knowledge, this variant has not been reported in the literature. This variant is reported in 0.0059% of alleles in individuals of Latino descent in gnomAD. At this time, the clinical significance of this variant is uncertain due to the absence of conclusive functional and genetic evidence.